The following is an entry in ClinVar:

NM_004999.4(MYO6):c.1160G>A (p.Arg387Gln)

Gene: MYO6 (myosin VI; plus strand). Cytogenetic location: 6q14.1.
Variant type: single nucleotide variant.
Coding change: c.1160G>A on transcript NM_004999.4 (MANE Select); coding-DNA position 1160, G replaced by A.
Protein change: p.Arg387Gln; replaces arginine 387 with glutamine.
Molecular consequence: missense variant. On other transcripts: non-coding transcript variant (1).
Genome position (GRCh38, 1-based): chr6:75,855,220, G>A. VCF-style: chr6-75855220-G-A. GRCh37 (hg19) VCF-style: chr6-76564937-G-A.
Other names: NC_000006.11:g.76564937G>A; c.1160G>A, p.Arg387Gln (NM_001300899.2, NM_001368136.1, NM_001368137.1 and 2 more transcripts); c.1145G>A, p.Arg382Gln (NM_001368138.1); short protein forms R387Q, R382Q.
Identifiers: ClinVar variation 357993 (VCV000357993.11), dbSNP rs752489259, ClinGen allele CA3897056.
Genomic context (GRCh38, chr6:75,855,220, plus strand): 5'-AATCTGCTCAGTCTTTGGAATATTGTGCTGAATTACTGGGTTTGGACCAAGATGATCTTC[G>A]AGTAAGTTTGACCACAAGAGTCATGCTAACAACAGCAGGGGGCACCAAAGGAACAGTTAT-3'
Protein context (NP_004990.3, residues 377-397): ELLGLDQDDL[Arg387Gln]VSLTTRVMLT

ClinVar aggregate classification (germline): Uncertain significance. Review status: criteria provided, multiple submitters, no conflicts (2 of 4 stars). 5 submissions from 4 submitters: Uncertain significance (4). 1 of the submissions does not count toward it. Last evaluated 2026-04-15.

Conditions:
MYO6-related disorder. Also called: MYO6-related disorders; MYO6-related condition.
Autosomal dominant nonsyndromic hearing loss 22. Also called: DFNA 22; Autosomal dominant nonsyndromic deafness 22. Identifiers: Orphanet 228012, MedGen C2931767, MONDO:0011660, OMIM 606346.
Autosomal recessive nonsyndromic hearing loss 37. Identifiers: Orphanet 90636, MedGen C1843028, MONDO:0011912, OMIM 607821.

Allele frequency attached by ClinVar (database versions not stated): gnomAD 0.00001; gnomAD exomes 0.00002; ExAC 0.00003.
gnomAD v4.1: 27 of 1,613,498 alleles (0.0017%); highest among the groups gnomAD compares: Admixed American, 0.0067%; no homozygotes.

Submissions (6):

Women's Health and Genetics/Laboratory Corporation of America, LabCorp
Classification: Uncertain significance. Last evaluated: 2026-04-15. Review status: criteria provided, single submitter. Criteria: LabCorp Variant Classification Summary - May 2015. Collection method: clinical testing. Allele origin: germline.
Comment: Variant summary: MYO6 c.1160G>A (p.Arg387Gln) results in a conservative amino acid change in the encoded protein sequence. Algorithms developed to predict the effect of missense changes on protein structure and function are either unavailable or do not agree on the potential impact of this missense change. The variant allele was found at a frequency of 2.4e-05 in 250884 control chromosomes. The available data on variant occurrences in the general population are insufficient to allow any conclusion about variant significance. To our knowledge, no occurrence of c.1160G>A in individuals affected with MYO6-related conditions and no experimental evidence demonstrating its impact on protein function have been reported. ClinVar contains an entry for this variant (Variation ID: 357993). Based on the evidence outlined above, the variant was classified as uncertain significance.

GeneDx
Classification: Uncertain significance. Last evaluated: 2023-09-18. Review status: criteria provided, single submitter. Criteria: GeneDx Variant Classification Process June 2021. Collection method: clinical testing. Allele origin: germline. Affected: yes.
Comment: In silico analysis supports that this missense variant does not alter protein structure/function; Has not been previously published as pathogenic or benign to our knowledge

Illumina Laboratory Services, Illumina
Classification: Uncertain significance for Autosomal dominant nonsyndromic hearing loss 22. Last evaluated: 2018-01-13. Review status: criteria provided, single submitter. Criteria: ICSL Variant Classification Criteria 13 December 2019. Collection method: clinical testing. Allele origin: germline.

Illumina Laboratory Services, Illumina
Classification: Uncertain significance for Autosomal recessive nonsyndromic hearing loss 37. Last evaluated: 2018-01-13. Review status: criteria provided, single submitter. Criteria: ICSL Variant Classification Criteria 13 December 2019. Collection method: clinical testing. Allele origin: germline.

PreventionGenetics, part of Exact Sciences
Classification: Uncertain significance for MYO6-related condition. Last evaluated: 2024-06-08. Review status: no assertion criteria provided. Collection method: clinical testing. Allele origin: germline. Not counted in ClinVar's aggregate classification.
Comment: The MYO6 c.1160G>A variant is predicted to result in the amino acid substitution p.Arg387Gln. To our knowledge, this variant has not been reported in the literature. This variant is reported in 0.0058% of alleles in individuals of Latino descent in gnomAD. At this time, the clinical significance of this variant is uncertain due to the absence of conclusive functional and genetic evidence.

Dr. Peter K. Rogan Lab, Western University
No classification provided (evidence only). Condition: Melanoma. Review status: no classification provided. Collection method: in vitro. Allele origin: not applicable. Functional consequence: retained intron. Not counted in ClinVar's aggregate classification.